The following is an entry in ClinVar:

NM_000384.3(APOB):c.12971A>G (p.Tyr4324Cys)

Gene: APOB (apolipoprotein B; minus strand). Cytogenetic location: 2p24.1.
Variant type: single nucleotide variant.
Coding change: c.12971A>G on transcript NM_000384.3 (MANE Select); coding-DNA position 12971, A replaced by G.
Protein change: p.Tyr4324Cys; replaces tyrosine 4324 with cysteine.
Molecular consequence: missense variant.
Genome position (GRCh38, 1-based): chr2:21,002,451, T>C on the plus strand (A>G on the coding strand, the complement: APOB is on the minus strand). VCF-style: chr2-21002451-T-C. GRCh37 (hg19) VCF-style: chr2-21225323-T-C.
Other names: short protein forms Y4324C.
Identifiers: ClinVar variation 4613632 (VCV004613632.1).

ClinVar aggregate classification (germline): Uncertain significance (1 of 4 stars; one submission).

Conditions:
Cardiovascular phenotype. Identifiers: MedGen CN230736.

Submission:

Ambry Genetics
Classification: Uncertain significance for Cardiovascular phenotype. Last evaluated: 2025-10-29. Review status: criteria provided, single submitter. Criteria: Ambry Variant Classification Scheme 2023. Collection method: clinical testing. Allele origin: germline.
Comment: The p.Y4324C variant (also known as c.12971A>G), located in coding exon 29 of the APOB gene, results from an A to G substitution at nucleotide position 12971. The tyrosine at codon 4324 is replaced by cysteine, an amino acid with highly dissimilar properties. This amino acid position is conserved. In addition, this alteration is predicted to be tolerated by in silico analysis. Based on the available evidence, the clinical significance of this variant remains unclear.